The following is an entry in ClinVar:

NM_001080397.3(SLC45A1):c.1284C>T (p.Ser428=)

Gene: SLC45A1 (solute carrier family 45 member 1; plus strand). Cytogenetic location: 1p36.23.
Variant type: single nucleotide variant.
Coding change: c.1284C>T on transcript NM_001080397.3 (MANE Select); coding-DNA position 1284, C replaced by T.
Protein change: p.Ser428=; no amino-acid change (serine 428 retained).
Molecular consequence: synonymous variant.
Genome position (GRCh38, 1-based): chr1:8,330,777, C>T. VCF-style: chr1-8330777-C-T. GRCh37 (hg19) VCF-style: chr1-8390837-C-T.
Other names: c.1284C>T, p.Ser428= (NM_001379614.1); c.1191C>T, p.Ser397= (NM_001379615.1, NM_001379616.1); c.678C>T, p.Ser226= (NM_001379617.1, NM_001379618.1).
Identifiers: ClinVar variation 1013224 (VCV001013224.38), dbSNP rs149921947, ClinGen allele CA570355.

ClinVar aggregate classification (germline): Likely benign (1 of 4 stars; one submission).

Allele frequency attached by ClinVar (database versions not stated): gnomAD exomes 0.00012 and 0.00028; ExAC 0.00029; ESP Exome Variant Server 0.00069; gnomAD 0.00111 and 0.00117; 1000 Genomes Project 0.00120; 1000 Genomes Project 30x 0.00125; TOPMed 0.00140.
gnomAD v4.1: 343 of 1,613,462 alleles (0.021%); highest among the groups gnomAD compares: African/African-American, 0.34%; no homozygotes.

Submission:

CeGaT Center for Human Genetics Tuebingen
Classification: Likely benign. Last evaluated: 2026-03-01. Review status: criteria provided, single submitter. Criteria: CeGaT Center For Human Genetics Tuebingen Variant Classification Criteria Version 2. Collection method: clinical testing. Allele origin: germline. Affected: yes. Observed: 3 variant alleles.
Comment: SLC45A1: BP4, BP7